The following is an entry in ClinVar:

NM_000117.3(EMD):c.576CTC[1] (p.Ser199del)

Gene: EMD (emerin; plus strand). Cytogenetic location: Xq28.
Variant type: Microsatellite.
Coding change: c.576CTC[1] on transcript NM_000117.3 (MANE Select); one copy of the 3-base unit CTC starting at c.576; the reference has two copies in a row; one copy, 3 bases deleted; also written c.579_581del.
Protein change: p.Ser199del; deletes serine 199.
Molecular consequence: inframe deletion.
Genome position (GRCh38, 1-based): chrX:154,381,011-154,381,013, CTC deleted; deleting any 3 consecutive bases within chrX:154,381,006-154,381,013 gives the same sequence; the position shown is the placement nearest the transcript's 3' end. VCF-style (leftmost placement, unchanged base first): chrX-154381005-GTCC-G. GRCh37 (hg19) VCF-style: chrX-153609365-GTCC-G.
Other names: c.579_581del (NM_000117.3); short protein forms S199del.
Identifiers: ClinVar variation 1011200 (VCV001011200.10), dbSNP rs2067884874, ClinGen allele CA2466664415.
Genomic context (GRCh38, chrX:154,381,005, plus strand): 5'-AGCCTCCAGGAGCTCCCTGGACCTGTCCTATTATCCTACTTCCTCCTCCACCTCTTTTAT[GTCC>G]TCCTCATCATCTTCCTCTTCATGGCTCACCCGCCGTGCCATCCGGCCTGAAAACCGTGCT-3'

ClinVar aggregate classification (germline): Uncertain significance. Review status: criteria provided, multiple submitters, no conflicts (2 of 4 stars). 3 submissions from 3 submitters: Uncertain significance (2). 1 of the submissions does not count toward it. Last evaluated 2021-09-01.

Conditions:
Emery-Dreifuss muscular dystrophy (EDMD). Also called: Scapuloperoneal syndrome, X-linked (formerly); Humeroperoneal neuromuscular disease, (formerly). Identifiers: Orphanet 261, MedGen C0410189, MONDO:0016830.
X-linked Emery-Dreifuss muscular dystrophy. Also called: Muscular dystrophy, tardive Emery-Dreifuss type, with contractures. Identifiers: Orphanet 261, Orphanet 98863, MedGen C0751337, MONDO:0010680.

Submissions (3):

Labcorp Genetics (formerly Invitae), Labcorp
Classification: Uncertain significance for X-linked Emery-Dreifuss muscular dystrophy. Last evaluated: 2021-09-01. Review status: criteria provided, single submitter. Criteria: Invitae Variant Classification Sherloc (09022015). Collection method: clinical testing. Allele origin: germline.
Comment: This variant, c.579_581del, results in the deletion of 1 amino acid(s) of the EMD protein (p.Ser199del), but otherwise preserves the integrity of the reading frame. This variant is not present in population databases (ExAC no frequency). This variant has not been reported in the literature in individuals affected with EMD-related conditions. Experimental studies and prediction algorithms are not available or were not evaluated, and the functional significance of this variant is currently unknown. In summary, the available evidence is currently insufficient to determine the role of this variant in disease. Therefore, it has been classified as a Variant of Uncertain Significance.

GeneDx
Classification: Uncertain significance. Last evaluated: 2019-05-06. Review status: criteria provided, single submitter. Criteria: GeneDx Variant Classification Process June 2021. Collection method: clinical testing. Allele origin: germline. Affected: yes.
Comment: Not observed in large population cohorts (Lek et al., 2016); In-frame deletion in a repetitive region with no known function; Has not been previously published as pathogenic or benign to our knowledge

Natera, Inc.
Classification: Uncertain significance for Emery-Dreifuss muscular dystrophy. Last evaluated: 2021-08-24. Review status: no assertion criteria provided. Collection method: clinical testing. Allele origin: germline. Not counted in ClinVar's aggregate classification.